The following is an entry in ClinVar:

NM_000558.5(HBA1):c.52del (p.Val18fs)

Genes: HBA1 (hemoglobin subunit alpha 1; plus strand), LOC106804613 (hemoglobin subunit alpha 1 recombination region; plus strand). Cytogenetic location: 16p13.3.
Variant type: Deletion.
Coding change: c.52del on transcript NM_000558.5 (MANE Select); coding-DNA position 52, one base deleted (G; older notation c.52delG).
Protein change: p.Val18fs; shifts the reading frame from valine 18.
Molecular consequence: frameshift variant.
Genome position (GRCh38, 1-based): chr16:176,768, G deleted; the last of 2 consecutive G bases (chr16:176,767-176,768); deleting either gives the same sequence. VCF-style (leftmost placement, unchanged base first): chr16-176766-AG-A. GRCh37 (hg19) VCF-style: chr16-226765-AG-A.
Other names: short protein forms V18fs.
Identifiers: ClinVar variation 4814415 (VCV004814415.1).

ClinVar aggregate classification (germline): Likely pathogenic (1 of 4 stars; one submission).

Conditions:
alpha Thalassemia. Also called: Alpha thalassemia spectrum. Identifiers: Orphanet 846, MedGen C0002312, MONDO:0011399, OMIM 604131.

Submission:

Natera, Inc.
Classification: Likely pathogenic for Alpha thalassemia. Last evaluated: 2024-12-06. Review status: criteria provided, single submitter. Criteria: Natera Variant Classification Schema (03/2026). Collection method: clinical testing. Allele origin: germline.
Comment: The c.52delG variant in HBA1 is a frameshift variant predicted to shift the reading frame beginning at codon 18 and leads to a stop codon 32 codons downstream. This variant is expected to result in nonsense mediated decay, truncation, or a dysfunctional protein product. This variant is rare in the general population with a frequency below the threshold expected for the associated phenotype(s). Given the available evidence, this variant is classified as Likely Pathogenic.